The following is an entry in ClinVar:

NM_000094.4(COL7A1):c.4899T>C (p.Asp1633=)

Gene: COL7A1 (collagen type VII alpha 1 chain; minus strand). Cytogenetic location: 3p21.31.
Variant type: single nucleotide variant.
Coding change: c.4899T>C on transcript NM_000094.4 (MANE Select); coding-DNA position 4899, T replaced by C.
Protein change: p.Asp1633=; no amino-acid change (aspartic acid 1633 retained).
Molecular consequence: synonymous variant.
Genome position (GRCh38, 1-based): chr3:48,581,260, A>G on the plus strand (T>C on the coding strand, the complement: COL7A1 is on the minus strand). VCF-style: chr3-48581260-A-G. GRCh37 (hg19) VCF-style: chr3-48618693-A-G.
Identifiers: ClinVar variation 2009959 (VCV002009959.3), dbSNP rs2107711277, ClinGen allele CA433541479.
Genomic context (GRCh38, chr3:48,581,260, plus strand): 5'-GATGCTGGCAACAGCCCTACTCCCTTACCCGCCATGACTCCCCCGACTCCAGCCTCTTAC[A>G]TCTCGTCCTCGGGGGCCAACAGGTCCTGGGGGGCCAGGCCGCCCAGGGTCTCCCTTCTCT-3'
Protein context (NP_000085.1, residues 1623-1643): PPGPVGPRGR[Asp1633=]GEVGEKGDEG

ClinVar aggregate classification (germline): Uncertain significance (1 of 4 stars; one submission).

Submission:

Labcorp Genetics (formerly Invitae), Labcorp
Classification: Uncertain significance. Last evaluated: 2022-07-29. Review status: criteria provided, single submitter. Criteria: Invitae Variant Classification Sherloc (09022015). Collection method: clinical testing. Allele origin: germline.
Comment: This variant has not been reported in the literature in individuals affected with COL7A1-related conditions. This variant is not present in population databases (gnomAD no frequency). This sequence change affects codon 1633 of the COL7A1 mRNA. It is a 'silent' change, meaning that it does not change the encoded amino acid sequence of the COL7A1 protein. It affects a nucleotide within the consensus splice site. In summary, the available evidence is currently insufficient to determine the role of this variant in disease. Therefore, it has been classified as a Variant of Uncertain Significance. Algorithms developed to predict the effect of sequence changes on RNA splicing suggest that this variant is not likely to affect RNA splicing.